The following is an entry in ClinVar:

ClinVar aggregate classification (germline): Likely pathogenic (1 of 4 stars; one submission).

Submission:

Laboratorio de Genetica e Diagnostico Molecular, Hospital Israelita Albert Einstein
Classification: Likely pathogenic. Last evaluated: 2019-07-21. Review status: criteria provided, single submitter. Criteria: ACMG Guidelines, 2015. Collection method: clinical testing. Allele origin: germline. Affected: yes.
Comment: ACMG classification criteria: PVS1, PM2

NM_005881.4(BCKDK):c.879C>A (p.Tyr293Ter)

Gene: BCKDK (branched chain keto acid dehydrogenase kinase; plus strand). Cytogenetic location: 16p11.2.
Variant type: single nucleotide variant.
Coding change: c.879C>A on transcript NM_005881.4 (MANE Select); coding-DNA position 879, C replaced by A.
Protein change: p.Tyr293Ter; replaces tyrosine 293 with a stop codon.
Molecular consequence: nonsense. On other transcripts: intron variant (1).
Genome position (GRCh38, 1-based): chr16:31,111,333, C>A. VCF-style: chr16-31111333-C-A. GRCh37 (hg19) VCF-style: chr16-31122654-C-A.
Other names: c.879C>A, p.Tyr293Ter (NM_001122957.4); c.845+114C>A (NM_001271926.3); short protein forms Y293*.
Identifiers: ClinVar variation 1690662 (VCV001690662.2), dbSNP rs989757942, ClinGen allele CA280572316.